The following is an entry in ClinVar:

ClinVar aggregate classification (germline): Likely benign (1 of 4 stars; one submission).

Submission:

CeGaT Center for Human Genetics Tuebingen
Classification: Likely benign. Last evaluated: 2025-11-01. Review status: criteria provided, single submitter. Criteria: CeGaT Center For Human Genetics Tuebingen Variant Classification Criteria Version 2. Collection method: clinical testing. Allele origin: germline. Affected: yes. Observed: 1 variant allele.
Comment: CDH13: PM2:Supporting, BP4, BP7

NM_001257.5(CDH13):c.1428C>G (p.Val476=)

Gene: CDH13 (cadherin 13; plus strand). Cytogenetic location: 16q23.3.
Variant type: single nucleotide variant.
Coding change: c.1428C>G on transcript NM_001257.5 (MANE Select); coding-DNA position 1428, C replaced by G.
Protein change: p.Val476=; no amino-acid change (valine 476 retained).
Molecular consequence: synonymous variant.
Genome position (GRCh38, 1-based): chr16:83,678,351, C>G. VCF-style: chr16-83678351-C-G. GRCh37 (hg19) VCF-style: chr16-83711956-C-G.
Other names: c.1569C>G, p.Val523= (NM_001220488.2); c.1311C>G, p.Val437= (NM_001220489.2); c.666C>G, p.Val222= (NM_001220490.2).
Identifiers: ClinVar variation 4535134 (VCV004535134.6).